The following is an entry in ClinVar:

ClinVar aggregate classification (germline): Uncertain significance. Review status: criteria provided, multiple submitters, no conflicts (2 of 4 stars). 7 submissions from 7 submitters: Uncertain significance (6). 1 of the submissions does not count toward it. Last evaluated 2024-03-02.

Conditions:
Cystic fibrosis (CF). Also called: MUCOVISCIDOSIS. Identifiers: Orphanet 586, MedGen C0010674, MONDO:0009061, OMIM 219700. Disease mechanism: loss of function.
CFTR-related disorder (CFTR-RD). Also called: CFTR-related disorders; CFTR-related condition. Identifiers: MedGen C5924204, MONDO:7770004.

Allele frequency attached by ClinVar (database versions not stated): TOPMed below 0.00001; gnomAD 0.00001.
gnomAD v4.1: 1 of 1,576,270 alleles (0.000063%); highest among the groups gnomAD compares: Non-Finnish European, 0.000087%; no homozygotes.

Submissions (7):

GeneDx
Classification: Uncertain significance. Last evaluated: 2024-03-02. Review status: criteria provided, single submitter. Criteria: GeneDx Variant Classification Process June 2021. Collection method: clinical testing. Allele origin: germline. Affected: yes.
Comment: Not observed at significant frequency in large population cohorts (gnomAD); In silico analysis supports that this missense variant has a deleterious effect on protein structure/function; Has not been previously published as pathogenic or benign to our knowledge

Ambry Genetics
Classification: Uncertain significance for Cystic fibrosis. Last evaluated: 2023-11-05. Review status: criteria provided, single submitter. Criteria: Ambry Variant Classification Scheme 2023. Collection method: clinical testing. Allele origin: germline.
Comment: The p.F87S variant (also known as c.260T>C), located in coding exon 3 of the CFTR gene, results from a T to C substitution at nucleotide position 260. The phenylalanine at codon 87 is replaced by serine, an amino acid with highly dissimilar properties. This amino acid position is poorly conserved in available vertebrate species. In addition, this alteration is predicted to be deleterious by in silico analysis. Since supporting evidence is limited at this time, the clinical significance of this alteration remains unclear.

Women's Health and Genetics/Laboratory Corporation of America, LabCorp
Classification: Uncertain significance. Last evaluated: 2023-08-08. Review status: criteria provided, single submitter. Criteria: LabCorp Variant Classification Summary - May 2015. Collection method: clinical testing. Allele origin: germline.
Comment: Variant summary: CFTR c.260T>C (p.Phe87Ser) results in a non-conservative amino acid change located in the ABC transporter type 1, transmembrane domain (IPR011527) of the encoded protein sequence. Three of five in-silico tools predict a damaging effect of the variant on protein function. The variant was absent in 250824 control chromosomes (gnomAD). The available data on variant occurrences in the general population are insufficient to allow any conclusion about variant significance. To our knowledge, no occurrence of c.260T>C in individuals affected with Cystic Fibrosis and no experimental evidence demonstrating its impact on protein function have been reported. Five submitters have cited clinical-significance assessments for this variant to ClinVar after 2014. All submitters classified the variant as uncertain significance. Based on the evidence outlined above, the variant was classified as uncertain significance.

Labcorp Genetics (formerly Invitae), Labcorp
Classification: Uncertain significance for Cystic fibrosis. Last evaluated: 2022-11-01. Review status: criteria provided, single submitter. Criteria: Invitae Variant Classification Sherloc (09022015). Collection method: clinical testing. Allele origin: germline.
Comment: This sequence change replaces phenylalanine, which is neutral and non-polar, with serine, which is neutral and polar, at codon 87 of the CFTR protein (p.Phe87Ser). This variant is present in population databases (no rsID available, gnomAD 0.007%). This variant has not been reported in the literature in individuals affected with CFTR-related conditions. ClinVar contains an entry for this variant (Variation ID: 946044). Advanced modeling of protein sequence and biophysical properties (such as structural, functional, and spatial information, amino acid conservation, physicochemical variation, residue mobility, and thermodynamic stability) performed at Invitae indicates that this missense variant is not expected to disrupt CFTR protein function. This variant disrupts the p.Phe87 amino acid residue in CFTR. Other variant(s) that disrupt this residue have been observed in individuals with CFTR-related conditions (PMID: 8081395, 19181743), which suggests that this may be a clinically significant amino acid residue. In summary, the available evidence is currently insufficient to determine the role of this variant in disease. Therefore, it has been classified as a Variant of Uncertain Significance.

Genome-Nilou Lab
Classification: Uncertain significance for Cystic fibrosis. Last evaluated: 2021-09-05. Review status: criteria provided, single submitter. Criteria: ACMG Guidelines, 2015. Collection method: clinical testing. Allele origin: germline. Affected: no.

ARUP Laboratories, Molecular Genetics and Genomics, ARUP Laboratories
Classification: Uncertain significance. Last evaluated: 2020-08-20. Review status: criteria provided, single submitter. Criteria: ARUP Molecular Germline Variant Investigation Process. Collection method: clinical testing. Allele origin: germline.
Comment: The CFTR c.260T>C; p.Phe87Ser variant (rs1310658028), to our knowledge, is not reported in the medical literature but is reported in the cystic fibrosis mutation database (see link). This variant is only observed on one allele in the Genome Aggregation Database, indicating it is not a common polymorphism. The phenylalanine at codon 87 is weakly conserved, and computational analyses (SIFT: damaging, PolyPhen-2: benign) predict conflicting effects of this variant on protein structure/function. Additionally, other variants at this codon (c.259T>C; p.Phe87Leu, c.259T>A; p.Phe87Ile) have been reported in individuals with cystic fibrosis or congenital absence of vas deferens (Bienvenu 1994, Sharma 2009, see link to cystic fibrosis mutation database), but the p.Phe87Ile variant was shown in vitro to have no effect on protein function compared to wild type (Sharma 2015). Due to limited information, the clinical significance of the p.Phe87Ser variant is uncertain at this time. References: Link to cystic fibrosis mutation database: Bienvenu T et al. A missense mutation (F87L) in exon 3 of the cystic fibrosis transmembrane conductance regulator gene. Hum Mutat. 1994;3(4):395-396. Sharma N et al. Heterogenous spectrum of CFTR gene mutations in Indian patients with congenital absence of vas deferens. Hum Reprod. 2009;24(5):1229-1236. Sharma H et al. Function, pharmacological correction and maturation of new Indian CFTR gene mutations. J Cyst Fibros. 2015;14(1):34-41.

Natera, Inc.
Classification: Uncertain significance for CFTR-related disorders. Last evaluated: 2019-01-09. Review status: no assertion criteria provided. Collection method: clinical testing. Allele origin: germline. Not counted in ClinVar's aggregate classification.

Literature cited by the submitters: PubMed 8081395 (cited by Labcorp Genetics (formerly Invitae), Labcorp); PubMed 19181743 (cited by Labcorp Genetics (formerly Invitae), Labcorp).

NM_000492.4(CFTR):c.260T>C (p.Phe87Ser)

Gene: CFTR (CF transmembrane conductance regulator; plus strand). Cytogenetic location: 7q31.2.
Variant type: single nucleotide variant.
Coding change: c.260T>C on transcript NM_000492.4 (MANE Select); coding-DNA position 260, T replaced by C.
Protein change: p.Phe87Ser; replaces phenylalanine 87 with serine.
Molecular consequence: missense variant.
Genome position (GRCh38, 1-based): chr7:117,509,129, T>C. VCF-style: chr7-117509129-T-C. GRCh37 (hg19) VCF-style: chr7-117149183-T-C.
Other names: short protein forms F87S.
Identifiers: ClinVar variation 946044 (VCV000946044.20), dbSNP rs1310658028, ClinGen allele CA368972290.